The following is an entry in ClinVar:

NM_003835.4(RGS9):c.86A>T (p.Asn29Ile)

Gene: RGS9 (regulator of G protein signaling 9; plus strand). Cytogenetic location: 17q24.1.
Variant type: single nucleotide variant.
Coding change: c.86A>T on transcript NM_003835.4 (MANE Select); coding-DNA position 86, A replaced by T.
Protein change: p.Asn29Ile; replaces asparagine 29 with isoleucine.
Molecular consequence: missense variant.
Genome position (GRCh38, 1-based): chr17:65,153,450, A>T. VCF-style: chr17-65153450-A-T. GRCh37 (hg19) VCF-style: chr17-63149568-A-T.
Other names: c.86A>T, p.Asn29Ile (NM_001081955.3, NM_001165933.2); short protein forms N29I.
Identifiers: ClinVar variation 1517845 (VCV001517845.6), dbSNP rs753988401, ClinGen allele CA8717482.

ClinVar aggregate classification (germline): Uncertain significance (1 of 4 stars; one submission).

Allele frequency attached by ClinVar (database versions not stated): gnomAD exomes below 0.00001; ExAC 0.00001.

Submission:

Labcorp Genetics (formerly Invitae), Labcorp
Classification: Uncertain significance. Last evaluated: 2021-03-20. Review status: criteria provided, single submitter. Criteria: Invitae Variant Classification Sherloc (09022015). Collection method: clinical testing. Allele origin: germline.
Comment: In summary, the available evidence is currently insufficient to determine the role of this variant in disease. Therefore, it has been classified as a Variant of Uncertain Significance. Algorithms developed to predict the effect of missense changes on protein structure and function are either unavailable or do not agree on the potential impact of this missense change (SIFT: "Deleterious"; PolyPhen-2: "Benign"; Align-GVGD: "Class C0"). This variant has not been reported in the literature in individuals with RGS9-related conditions. This variant is present in population databases (rs753988401, ExAC 0.001%). This sequence change replaces asparagine with isoleucine at codon 29 of the RGS9 protein (p.Asn29Ile). The asparagine residue is moderately conserved and there is a large physicochemical difference between asparagine and isoleucine.